The following is an entry in ClinVar:

NM_000059.4(BRCA2):c.7737_7749del (p.Ile2579fs)

Gene: BRCA2 (BRCA2 DNA repair associated; plus strand). Cytogenetic location: 13q13.1.
Variant type: Deletion.
Coding change: c.7737_7749del on transcript NM_000059.4 (MANE Select); coding-DNA positions 7737 to 7749, 13 bases deleted (ACAGTTGGCTGAT).
Protein change: p.Ile2579fs; shifts the reading frame from isoleucine 2579.
Molecular consequence: frameshift variant. On other transcripts: non-coding transcript variant (1).
Genome position (GRCh38, 1-based): chr13:32,357,861-32,357,873, ACAGTTGGCTGAT deleted; deleting any 13 consecutive bases within chr13:32,357,859-32,357,873 gives the same sequence; the c. name uses the placement nearest the transcript's 3' end. VCF-style (leftmost placement, unchanged base first): chr13-32357858-AATACAGTTGGCTG-A. GRCh37 (hg19) VCF-style: chr13-32931995-AATACAGTTGGCTG-A.
Other names: c.7641_7653del, p.Ile2547fs (NM_001406719.1); c.7737_7749del, p.Ile2579fs (NM_001406720.1, NM_001432077.1); c.2805_2817del, p.Ile935fs (NM_001406721.1); c.1320_1332del, p.Ile440fs (NM_001406722.1); c.7737_7749del13 (NM_000059.3); short protein forms I440fs, I2547fs, I2579fs, I935fs.
Identifiers: ClinVar variation 3825433 (VCV003825433.1).

ClinVar aggregate classification (germline): Pathogenic (1 of 4 stars; one submission).

Conditions:
Hereditary cancer-predisposing syndrome. Also called: Hereditary neoplastic syndrome; Neoplastic Syndromes, Hereditary; Tumor predisposition; Hereditary Cancer Syndrome. Identifiers: Orphanet 140162, MedGen C0027672, MeSH D009386, MONDO:0015356.

Submission:

Ambry Genetics
Classification: Pathogenic for Hereditary cancer-predisposing syndrome. Last evaluated: 2025-01-29. Review status: criteria provided, single submitter. Criteria: Ambry Variant Classification Scheme 2023. Collection method: clinical testing. Allele origin: germline.
Comment: The c.7737_7749del13 pathogenic mutation, located in coding exon 15 of the BRCA2 gene, results from a deletion of 13 nucleotides at nucleotide positions 7737 to 7749, causing a translational frameshift with a predicted alternate stop codon (p.I2579Mfs*65). This variant is considered to be rare based on population cohorts in the Genome Aggregation Database (gnomAD). This alteration is expected to result in loss of function by premature protein truncation or nonsense-mediated mRNA decay. As such, this alteration is interpreted as a disease-causing mutation.